The following is an entry in ClinVar:

NM_004984.4(KIF5A):c.3020+2T>C

Gene: KIF5A (kinesin family member 5A; plus strand). Cytogenetic location: 12q13.3.
Variant type: single nucleotide variant.
Coding change: c.3020+2T>C on transcript NM_004984.4 (MANE Select); the canonical splice donor site of the intron after coding-DNA position 3020, T replaced by C.
Molecular consequence: splice donor variant.
Genome position (GRCh38, 1-based): chr12:57,582,631, T>C. VCF-style: chr12-57582631-T-C. GRCh37 (hg19) VCF-style: chr12-57976414-T-C.
Other names: c.2753+2T>C (NM_001354705.2).
Identifiers: ClinVar variation 4737635 (VCV004737635.1).

ClinVar aggregate classification (germline): Pathogenic (1 of 4 stars; one submission).

Conditions:
Spastic paraplegia. Identifiers: MedGen C0037772, HP:0001258.

Submission:

Labcorp Genetics (formerly Invitae), Labcorp
Classification: Pathogenic for Spastic paraplegia. Last evaluated: 2025-04-08. Review status: criteria provided, single submitter. Criteria: Invitae Variant Classification Sherloc (09022015). Collection method: clinical testing. Allele origin: germline.
Comment: This sequence change affects a donor splice site in intron 27 of the KIF5A gene. While this variant is not anticipated to result in nonsense mediated decay, it likely alters RNA splicing and results in a disrupted protein product. This variant is not present in population databases (gnomAD no frequency). Disruption of this splice site has been observed in individuals with amyotrophic lateral sclerosis (PMID: 29342275, 29566793, 32815063). Variants that disrupt the consensus splice site are a relatively common cause of aberrant splicing (PMID: 17576681, 9536098). Studies have shown that disruption of this splice site is associated with inconclusive levels of altered splicing (PMID: 29566793). For these reasons, this variant has been classified as Pathogenic.

Literature cited by the submitters: PubMed 29342275; PubMed 29566793; PubMed 32815063; PubMed 17576681; PubMed 9536098.